The following is an entry in ClinVar:

ClinVar aggregate classification (germline): Likely pathogenic. Review status: criteria provided, single submitter (1 of 4 stars). 2 submissions from 1 submitter: Likely pathogenic (2). Last evaluated 2021-08-04.

Conditions:
Pulmonary hypertension, primary, 1 (PPH1). Also called: Pulmonary hypertension, familial primary, 1, with or without HHT. Identifiers: Orphanet 422, MedGen C4552070, MONDO:0024533, OMIM 178600.
Primary pulmonary hypertension. Also called: Idiopathic pulmonary hypertension. Identifiers: MedGen C0152171.

Submissions (2):

Labcorp Genetics (formerly Invitae), Labcorp
Classification: Likely pathogenic for Primary pulmonary hypertension. Last evaluated: 2021-08-04. Review status: criteria provided, single submitter. Criteria: Invitae Variant Classification Sherloc (09022015). Collection method: clinical testing. Allele origin: germline.
Comment: This variant is a gross deletion of the genomic region encompassing exon(s) 8-9 of the BMPR2 gene. This variant would be expected to be in-frame, preserving the integrity of the reading frame. A similar copy number variant has been observed in individual(s) with pulmonary arterial hypertension (PMID: 16429403). This variant disrupts the p.Cys420 amino acid residue in BMPR2. Other variant(s) that disrupt this residue have been determined to be pathogenic (PMID: 15146475, 21737554, 21801371, 27453251). This suggests that this residue is clinically significant, and that variants that disrupt this residue are likely to be disease-causing. In summary, the currently available evidence indicates that the variant is pathogenic, but additional data are needed to prove that conclusively. Therefore, this variant has been classified as Likely Pathogenic.

Labcorp Genetics (formerly Invitae), Labcorp
Classification: Likely pathogenic for Idiopathic Pulmonary Hypertension. Last evaluated: 2019-05-07. Review status: criteria provided, single submitter. Criteria: Invitae Variant Classification Sherloc (09022015). Collection method: clinical testing. Allele origin: germline.
Comment: This variant is an in-frame deletion of the genomic region encompassing exons 8-9 of the BMPR2 gene. It preserves the integrity of the reading frame. A similar deletion of exons 8-9 has been reported in an individual affected with pulmonary arterial hypertension (PMID: 16429403). This variant disrupts the p.Cys420 amino acid residue in BMPR2. Other variant(s) that disrupt this residue have been determined to be pathogenic (PMID: 15146475, 21737554, 21801371, 27453251). This suggests that this residue is clinically significant, and that variants that disrupt this residue are likely to be disease-causing. In summary, the currently available evidence indicates that the variant is pathogenic, but additional data are needed to prove that conclusively. Therefore, this variant has been classified as Likely Pathogenic.

Literature cited by the submitters: PubMed 16429403; PubMed 15146475; PubMed 21737554; PubMed 21801371; PubMed 27453251.

NC_000002.12:g.(?_202530784)_(202532742_?)del

Gene: BMPR2 (bone morphogenetic protein receptor type 2; plus strand). Cytogenetic location: 2q33.2.
Variant type: Deletion.
Identifiers: ClinVar variation 832305 (VCV000832305.3).